The following is an entry in ClinVar:

NM_021942.6(TRAPPC11):c.1170C>G (p.Asp390Glu)

Gene: TRAPPC11 (trafficking protein particle complex subunit 11; plus strand). Cytogenetic location: 4q35.1.
Variant type: single nucleotide variant.
Coding change: c.1170C>G on transcript NM_021942.6 (MANE Select); coding-DNA position 1170, C replaced by G.
Protein change: p.Asp390Glu; replaces aspartic acid 390 with glutamic acid.
Molecular consequence: missense variant.
Genome position (GRCh38, 1-based): chr4:183,682,788, C>G. VCF-style: chr4-183682788-C-G. GRCh37 (hg19) VCF-style: chr4-184603941-C-G.
Other names: c.1170C>G, p.Asp390Glu (NM_199053.3); short protein forms D390E.
Identifiers: ClinVar variation 852225 (VCV000852225.12), dbSNP rs1328121937, ClinGen allele CA358864594.
Genomic context (GRCh38, chr4:183,682,788, plus strand): 5'-ACAGGCTTCTGTAATGTATCCCAATCCTGATCCCTTAGAAACACAAACAGGCGTTCTTGA[C>G]TTTTATGGACAAAGATCATGGCGACAAGGAATACTAAGTAAATAATTTTTCCCTCTGTCC-3'
Protein context (NP_068761.4, residues 380-400): DPLETQTGVL[Asp390Glu]FYGQRSWRQG

ClinVar aggregate classification (germline): Uncertain significance. Review status: criteria provided, multiple submitters, no conflicts (2 of 4 stars). 2 submissions from 2 submitters: Uncertain significance (2). Last evaluated 2024-07-02.

Conditions:
Autosomal recessive limb-girdle muscular dystrophy type R18 (LGMDR18). Also called: Autosomal recessive limb-girdle muscular dystrophy type 2S; Limb-girdle muscular dystrophy, type 2S; MUSCULAR DYSTROPHY, LIMB-GIRDLE, AUTOSOMAL RECESSIVE 18. Identifiers: Orphanet 369840, MedGen C4517996, MONDO:0014144, OMIM 615356.

Allele frequency attached by ClinVar (database versions not stated): gnomAD exomes 0.00001 and below 0.00001.
gnomAD v4.1: 24 of 1,613,666 alleles (0.0015%); highest among the groups gnomAD compares: Non-Finnish European, 0.0017%; no homozygotes.

Submissions (2):

Labcorp Genetics (formerly Invitae), Labcorp
Classification: Uncertain significance for Autosomal recessive limb-girdle muscular dystrophy type R18. Last evaluated: 2024-07-02. Review status: criteria provided, single submitter. Criteria: Invitae Variant Classification Sherloc (09022015). Collection method: clinical testing. Allele origin: germline.
Comment: This sequence change replaces aspartic acid, which is acidic and polar, with glutamic acid, which is acidic and polar, at codon 390 of the TRAPPC11 protein (p.Asp390Glu). This variant is present in population databases (no rsID available, gnomAD 0.0009%). This variant has not been reported in the literature in individuals affected with TRAPPC11-related conditions. ClinVar contains an entry for this variant (Variation ID: 852225). Advanced modeling of protein sequence and biophysical properties (such as structural, functional, and spatial information, amino acid conservation, physicochemical variation, residue mobility, and thermodynamic stability) performed at Invitae indicates that this missense variant is not expected to disrupt TRAPPC11 protein function with a negative predictive value of 80%. In summary, the available evidence is currently insufficient to determine the role of this variant in disease. Therefore, it has been classified as a Variant of Uncertain Significance.

Revvity Omics, Revvity
Classification: Uncertain significance for Autosomal recessive limb-girdle muscular dystrophy type R18. Last evaluated: 2019-11-16. Review status: criteria provided, single submitter. Criteria: ACMG Guidelines, 2015. Collection method: clinical testing. Allele origin: germline.